The following is an entry in ClinVar:

NM_014425.5(INVS):c.985G>T (p.Ala329Ser)

Gene: INVS (inversin; plus strand). Cytogenetic location: 9q31.1.
Variant type: single nucleotide variant.
Coding change: c.985G>T on transcript NM_014425.5 (MANE Select); coding-DNA position 985, G replaced by T.
Protein change: p.Ala329Ser; replaces alanine 329 with serine.
Molecular consequence: missense variant. On other transcripts: non-coding transcript variant (1).
Genome position (GRCh38, 1-based): chr9:100,246,694, G>T. VCF-style: chr9-100246694-G-T. GRCh37 (hg19) VCF-style: chr9-103008976-G-T.
Other names: c.697G>T, p.Ala233Ser (NM_001318381.2); c.7G>T, p.Ala3Ser (NM_001318382.2); c.985G>T (NM_014425.2); short protein forms A233S, A3S, A329S.
Identifiers: ClinVar variation 1397158 (VCV001397158.6), dbSNP rs1212648125, ClinGen allele CA374363749.

ClinVar aggregate classification (germline): Uncertain significance. Review status: criteria provided, multiple submitters, no conflicts (2 of 4 stars). 2 submissions from 2 submitters: Uncertain significance (2). Last evaluated 2025-01-07.

Conditions:
Nephronophthisis. Also called: Juvenile Nephronophthisis. Identifiers: Orphanet 655, MedGen C0687120, MONDO:0019005, HP:0000090.
Inborn genetic diseases. Identifiers: MedGen C0950123, MeSH D030342.

Allele frequency attached by ClinVar (database versions not stated): gnomAD exomes below 0.00001.
gnomAD v4.1: 1 of 1,613,714 alleles (0.000062%); highest among the groups gnomAD compares: Admixed American, 0.0017%; no homozygotes.

Submissions (2):

Ambry Genetics
Classification: Uncertain significance for Inborn genetic diseases. Last evaluated: 2025-01-07. Review status: criteria provided, single submitter. Criteria: Ambry Variant Classification Scheme 2023. Collection method: clinical testing. Allele origin: germline.

Labcorp Genetics (formerly Invitae), Labcorp
Classification: Uncertain significance for Nephronophthisis. Last evaluated: 2024-10-25. Review status: criteria provided, single submitter. Criteria: Invitae Variant Classification Sherloc (09022015). Collection method: clinical testing. Allele origin: germline.
Comment: This sequence change replaces alanine, which is neutral and non-polar, with serine, which is neutral and polar, at codon 329 of the INVS protein (p.Ala329Ser). This variant is present in population databases (no rsID available, gnomAD 0.003%). This variant has not been reported in the literature in individuals affected with INVS-related conditions. ClinVar contains an entry for this variant (Variation ID: 1397158). An algorithm developed to predict the effect of missense changes on protein structure and function (PolyPhen-2) suggests that this variant is likely to be disruptive. In summary, the available evidence is currently insufficient to determine the role of this variant in disease. Therefore, it has been classified as a Variant of Uncertain Significance.